The following is an entry in ClinVar:

NC_000001.10:g.(45289058_45291921)_(45298014_45307518)del

Gene: PTCH2 (patched 2; minus strand). Cytogenetic location: 1p34.1.
Variant type: Deletion.
Identifiers: ClinVar variation 4526142 (VCV004526142.1).

ClinVar aggregate classification (germline): Uncertain significance (1 of 4 stars; one submission).

Submission:

Women's Health and Genetics/Laboratory Corporation of America, LabCorp
Classification: Uncertain significance. Last evaluated: 2025-07-29. Review status: criteria provided, single submitter. Criteria: LabCorp Variant Classification Summary - May 2015. Collection method: clinical testing. Allele origin: germline.
Comment: Variant summary: The variant involves the deletion of exons 3-19 in the PTCH2 gene. A presumed nomenclature of c.(265+1_266-1)_(3114+1_3115-1)del has been designated for the purposes of this classification. This Copy Number Variant (CNV) is expected to alter the reading frame and predicted to result in a truncation or absence of the encoded protein due to nonsense mediated decay (NMD). Current evidence is not sufficient to establish loss of function as a mechanism for disease. The variant was absent in 21692 control chromosomes. The available data on variant occurrences in the general population are insufficient to allow any conclusion about variant significance. To our knowledge, no occurrence of c.(265+1_266-1)_(3114+1_3115-1)del in individuals affected with Basal Cell Carcinoma, Susceptibility To, 1 and no experimental evidence demonstrating its impact on protein function have been reported. No submitters have cited clinical-significance assessments for this variant to ClinVar. Based on the evidence outlined above, the variant was classified as uncertain significance.